The following is an entry in ClinVar:

NM_000038.6(APC):c.5774C>A (p.Pro1925His)

Gene: APC (APC regulator of Wnt signaling pathway; plus strand). Cytogenetic location: 5q22.2.
Variant type: single nucleotide variant.
Coding change: c.5774C>A on transcript NM_000038.6 (MANE Select); coding-DNA position 5774, C replaced by A.
Protein change: p.Pro1925His; replaces proline 1925 with histidine.
Molecular consequence: missense variant.
Genome position (GRCh38, 1-based): chr5:112,841,368, C>A. VCF-style: chr5-112841368-C-A. GRCh37 (hg19) VCF-style: chr5-112177065-C-A.
Other names: c.4925C>A, p.Pro1642His (NM_001354906.2); c.5774C>A, p.Pro1925His (NM_001127510.3, NM_001354895.2); c.5720C>A, p.Pro1907His (NM_001127511.3); c.5828C>A, p.Pro1943His (NM_001354896.2); c.5804C>A, p.Pro1935His (NM_001354897.2); c.5699C>A, p.Pro1900His (NM_001354898.2); c.5690C>A, p.Pro1897His (NM_001354899.2); c.5651C>A, p.Pro1884His (NM_001354900.2); and 5 more; short protein forms P1907H, P1925H, P1834H, P1824H, P1866H, P1884H, P1943H, P1765H.
Identifiers: ClinVar variation 245782 (VCV000245782.22), dbSNP rs762682111, ClinGen allele CA042917.

ClinVar aggregate classification (germline): Conflicting classifications of pathogenicity. Review status: criteria provided, conflicting classifications (1 of 4 stars). 8 submissions from 8 submitters: Uncertain significance (4); Benign (1); Likely benign (3). Last evaluated 2025-12-15.

Conditions:
Hereditary cancer-predisposing syndrome. Also called: Tumor predisposition; Neoplastic Syndromes, Hereditary; Hereditary Cancer Syndrome; Hereditary neoplastic syndrome. Identifiers: Orphanet 140162, MedGen C0027672, MeSH D009386, MONDO:0015356.
Familial adenomatous polyposis 1 (FAP1). Also called: POLYPOSIS, ADENOMATOUS INTESTINAL; FAMILIAL ADENOMATOUS POLYPOSIS 1, ATTENUATED. Identifiers: MedGen C2713442, MONDO:0021056, OMIM 175100. Disease mechanism: loss of function.

Allele frequency attached by ClinVar (database versions not stated): gnomAD exomes 0.00005; ExAC 0.00006; gnomAD 0.00006; TOPMed 0.00007.
gnomAD v4.1: 17 of 1,613,390 alleles (0.0011%); highest among the groups gnomAD compares: Admixed American, 0.028%; no homozygotes.

Submissions (8):

Labcorp Genetics (formerly Invitae), Labcorp
Classification: Likely benign for Familial adenomatous polyposis 1. Last evaluated: 2025-12-15. Review status: criteria provided, single submitter. Criteria: Invitae Variant Classification Sherloc (09022015). Collection method: clinical testing. Allele origin: germline.

Quest Diagnostics Nichols Institute San Juan Capistrano
Classification: Likely benign. Last evaluated: 2025-07-30. Review status: criteria provided, single submitter. Criteria: Quest Diagnostics criteria. Collection method: clinical testing. Allele origin: unknown.

Ambry Genetics
Classification: Benign for Hereditary cancer-predisposing syndrome. Last evaluated: 2021-09-08. Review status: criteria provided, single submitter. Criteria: Ambry Variant Classification Scheme 2023. Collection method: clinical testing. Allele origin: germline.

Sema4
Classification: Uncertain significance for Hereditary cancer-predisposing syndrome. Last evaluated: 2021-08-09. Review status: criteria provided, single submitter. Criteria: Sema4 Curation Guidelines. Collection method: curation. Allele origin: germline.
Comment: The APC c.5774C>A (p.P1925H) variant has not been reported in the literature to our knowledge. It was observed in 14/35374 chromosomes of the Latino subpopulation, with no homozygotes, in the large and broad cohorts of the Genome Aggregation Database (PMID: 32461654). The variant has been reported in ClinVar (Variation ID 245782). Functional studies have not been performed, and in silico predictions of the variant's effect on protein function are inconclusive. The evidence is insufficient to meet ACMG/AMP criteria for classifying the variant as benign or pathogenic. Thus, the clinical significance of this variant is currently uncertain.

Baylor Genetics
Classification: Uncertain significance for Familial adenomatous polyposis 1. Last evaluated: 2020-06-22. Review status: criteria provided, single submitter. Criteria: ACMG Guidelines, 2015. Collection method: clinical testing. Allele origin: maternal. Affected: yes. Study: CSER-TexasKidsCanSeq.
Comment: This variant was determined to be of uncertain significance according to ACMG Guidelines, 2015 [PMID:25741868].

Color Diagnostics, LLC DBA Color Health
Classification: Likely benign for Hereditary cancer-predisposing syndrome. Last evaluated: 2019-12-19. Review status: criteria provided, single submitter. Criteria: ACMG Guidelines, 2015. Collection method: clinical testing. Allele origin: germline.

Women's Health and Genetics/Laboratory Corporation of America, LabCorp
Classification: Uncertain significance. Last evaluated: 2019-12-09. Review status: criteria provided, single submitter. Criteria: LabCorp Variant Classification Summary - May 2015. Collection method: clinical testing. Allele origin: germline.
Comment: Variant summary: APC c.5774C>A (p.Pro1925His) results in a non-conservative amino acid change in the encoded protein sequence. Four of five in-silico tools predict a benign effect of the variant on protein function. The variant allele was found at a frequency of 4.8e-05 in 249892 control chromosomes. This frequency is not significantly higher than expected for a pathogenic variant in APC causing Familial Adenomatous Polyposis (4.8e-05 vs 7.1e-05), allowing no conclusion about variant significance. To our knowledge, no occurrence of c.5774C>A in individuals affected with Familial Adenomatous Polyposis and no experimental evidence demonstrating its impact on protein function have been reported. Three clinical diagnostic laboratories have submitted clinical-significance assessments for this variant to ClinVar after 2014 without evidence for independent evaluation. All laboratories classified the variant as uncertain significance. Based on the evidence outlined above, the variant was classified as uncertain significance.

GeneDx
Classification: Uncertain significance. Last evaluated: 2016-02-29. Review status: criteria provided, single submitter. Criteria: GeneDx Variant Classification (06012015). Collection method: clinical testing. Allele origin: germline. Affected: yes.
Comment: This variant is denoted APC c.5774C>A at the cDNA level, p.Pro1925His (P1925H) at the protein level, and results in the change of a Proline to a Histidine (CCC>CAC). This variant has not, to our knowledge, been published in the literature as pathogenic or benign. APC Pro1925His was not observed in approximately 6,500 individuals of European and African American ancestry in the NHLBI Exome Sequencing Project, indicating it is not a common benign variant in these populations. Since Proline and Histidine differ in polarity, charge, size or other properties, this is considered a non-conservative amino acid substitution. APC Pro1925His occurs at a position that is not conserved and is located in the 20-amino acid repeat beta-catenin down-regulating domain and the SAMP repeats/axin binding domain (Azzopardi 2008). In silico analyses are inconsistent regarding the effect this variant may have on protein structure and function. Based on currently available information, it is unclear whether APC Pro1925His is pathogenic or benign. We consider it to be a variant of uncertain significance.